The following is an entry in ClinVar:

ClinVar aggregate classification (germline): Benign/Likely benign. Review status: criteria provided, multiple submitters, no conflicts (2 of 4 stars). 3 submissions from 3 submitters: Benign (1); Likely benign (2). Last evaluated 2025-05-13.

Conditions:
Hereditary cancer-predisposing syndrome. Also called: Hereditary neoplastic syndrome; Neoplastic Syndromes, Hereditary; Tumor predisposition; Hereditary Cancer Syndrome. Identifiers: Orphanet 140162, MedGen C0027672, MeSH D009386, MONDO:0015356.
Tuberous sclerosis 2 (TSC2). Identifiers: Orphanet 805, MedGen C1860707, MONDO:0013199, OMIM 613254.

Submissions (3):

Myriad Genetics, Inc.
Classification: Benign for Tuberous sclerosis 2. Last evaluated: 2025-05-13. Review status: criteria provided, single submitter. Criteria: Myriad Autosomal Dominant, Autosomal Recessive and X-Linked Classification Criteria (2023). Collection method: clinical testing. Allele origin: unknown.
Comment: This variant is considered benign. This variant is a silent/synonymous amino acid change and it is not expected to impact splicing.

Ambry Genetics
Classification: Likely benign for Hereditary cancer-predisposing syndrome. Last evaluated: 2025-01-23. Review status: criteria provided, single submitter. Criteria: Ambry Variant Classification Scheme 2023. Collection method: clinical testing. Allele origin: germline.

Labcorp Genetics (formerly Invitae), Labcorp
Classification: Likely benign for Tuberous sclerosis 2. Last evaluated: 2021-01-18. Review status: criteria provided, single submitter. Criteria: Invitae Variant Classification Sherloc (09022015). Collection method: clinical testing. Allele origin: germline.

NM_000548.5(TSC2):c.1248C>T (p.Asp416=)

Gene: TSC2 (TSC complex subunit 2; plus strand). Cytogenetic location: 16p13.3.
Variant type: single nucleotide variant.
Coding change: c.1248C>T on transcript NM_000548.5 (MANE Select); coding-DNA position 1248, C replaced by T.
Protein change: p.Asp416=; no amino-acid change (aspartic acid 416 retained).
Molecular consequence: synonymous variant.
Genome position (GRCh38, 1-based): chr16:2,061,999, C>T. VCF-style: chr16-2061999-C-T. GRCh37 (hg19) VCF-style: chr16-2112000-C-T.
Other names: c.1248C>T, p.Asp416= (NM_001077183.3, NM_001114382.3, NM_001363528.2 and 3 more transcripts); c.1137C>T, p.Asp379= (NM_001318827.2); c.1101C>T, p.Asp367= (NM_001318829.2); c.648C>T, p.Asp216= (NM_001318831.2); c.1281C>T, p.Asp427= (NM_001318832.2).
Identifiers: ClinVar variation 467854 (VCV000467854.10), dbSNP rs1555501144, ClinGen allele CA492962110.
Genomic context (GRCh38, chr16:2,061,999, plus strand): 5'-CCAGAACGAGTTCCACGGGTCTCAGGAGAGATACTTTGAACTGGTGGAGAGATGTGCGGA[C>T]CAGAGGCCTGTGAGACCCCCTCCTGGGTGGGGCCTTTGGGCTTTGGCTGGTGGGGAGGGG-3'
Protein context (NP_000539.2, residues 406-426): RYFELVERCA[Asp416=]QRPESSLLNL